The following is an entry in ClinVar:

ClinVar aggregate classification (germline): Conflicting classifications of pathogenicity. Review status: criteria provided, conflicting classifications (1 of 4 stars). 5 submissions from 5 submitters: Uncertain significance (4); Likely benign (1). Last evaluated 2025-12-13.

Conditions:
Inborn genetic diseases. Identifiers: MedGen C0950123, MeSH D030342.
Pitt-Hopkins-like syndrome 2 (PTHSL2). Identifiers: Orphanet 221150, Orphanet 600663, MedGen C3280479, MONDO:0013690, OMIM 614325.
Chromosome 2p16.3 deletion syndrome. Identifiers: MedGen C3808494, MONDO:0013696, OMIM 614332.

Allele frequency attached by ClinVar (database versions not stated): gnomAD exomes 0.00004 and 0.00002; gnomAD 0.00018 and 0.00021; TOPMed 0.00020; ESP Exome Variant Server 0.00017; ExAC 0.00006.
gnomAD v4.1: 66 of 1,613,778 alleles (0.0041%); highest among the groups gnomAD compares: African/African-American, 0.076%; no homozygotes.

Submissions (5):

Labcorp Genetics (formerly Invitae), Labcorp
Classification: Uncertain significance for Pitt-Hopkins-like syndrome 2. Last evaluated: 2025-12-13. Review status: criteria provided, single submitter. Criteria: Invitae Variant Classification Sherloc (09022015). Collection method: clinical testing. Allele origin: germline.
Comment: This sequence change replaces leucine, which is neutral and non-polar, with tryptophan, which is neutral and slightly polar, at codon 607 of the NRXN1 protein (p.Leu607Trp). This variant is present in population databases (rs372311299, gnomAD 0.05%). This variant has not been reported in the literature in individuals affected with NRXN1-related conditions. ClinVar contains an entry for this variant (Variation ID: 93587). An algorithm developed to predict the effect of missense changes on protein structure and function (PolyPhen-2) suggests that this variant is likely to be disruptive. In summary, the available evidence is currently insufficient to determine the role of this variant in disease. Therefore, it has been classified as a Variant of Uncertain Significance.

Ambry Genetics
Classification: Uncertain significance for Inborn genetic diseases. Last evaluated: 2022-03-21. Review status: criteria provided, single submitter. Criteria: Ambry Variant Classification Scheme 2023. Collection method: clinical testing. Allele origin: germline.

GeneDx
Classification: Likely benign. Last evaluated: 2021-01-22. Review status: criteria provided, single submitter. Criteria: GeneDx Variant Classification Process June 2021. Collection method: clinical testing. Allele origin: germline. Affected: yes.

Fulgent Genetics
Classification: Uncertain significance for Pitt-Hopkins-like syndrome 2; Chromosome 2p16.3 deletion syndrome. Last evaluated: 2018-10-31. Review status: criteria provided, single submitter. Criteria: ACMG Guidelines, 2015. Collection method: clinical testing. Allele origin: unknown.

Eurofins Ntd Llc (ga)
Classification: Uncertain significance. Last evaluated: 2013-10-04. Review status: criteria provided, single submitter. Criteria: EGL Classification Definitions 2015. Collection method: clinical testing. Allele origin: germline. Observed: 1 variant allele, 1 heterozygote.

NM_001330078.2(NRXN1):c.1700T>G (p.Leu567Trp)

Gene: NRXN1 (neurexin 1; minus strand). Cytogenetic location: 2p16.3.
Variant type: single nucleotide variant.
Coding change: c.1700T>G on transcript NM_001330078.2 (MANE Select); coding-DNA position 1700, T replaced by G.
Protein change: p.Leu567Trp; replaces leucine 567 with tryptophan.
Molecular consequence: missense variant.
Genome position (GRCh38, 1-based): chr2:50,552,646, A>C on the plus strand (T>G on the coding strand, the complement: NRXN1 is on the minus strand). VCF-style: chr2-50552646-A-C. GRCh37 (hg19) VCF-style: chr2-50779784-A-C.
Other names: c.1820T>G, p.Leu607Trp (NM_001135659.3); c.1676T>G, p.Leu559Trp (NM_001330077.2, NM_001330082.2, NM_001330095.2); c.1661T>G, p.Leu554Trp (NM_001330083.2, NM_001330084.2); c.1700T>G, p.Leu567Trp (NM_001330085.2, NM_001330086.2, NM_004801.6); c.1616T>G, p.Leu539Trp (NM_001330087.2, NM_001330096.2); c.1646T>G, p.Leu549Trp (NM_001330088.2); c.1697T>G, p.Leu566Trp (NM_001330093.2); c.1688T>G, p.Leu563Trp (NM_001330094.2); short protein forms L607W, L539W, L554W, L563W, L566W, L549W, L559W, L567W.
Identifiers: ClinVar variation 93587 (VCV000093587.59), dbSNP rs372311299, ClinGen allele CA221525.